The following is an entry in ClinVar:

NM_006031.6(PCNT):c.3003G>A (p.Leu1001=)

Gene: PCNT (pericentrin; plus strand). Cytogenetic location: 21q22.3.
Variant type: single nucleotide variant.
Coding change: c.3003G>A on transcript NM_006031.6 (MANE Select); coding-DNA position 3003, G replaced by A.
Protein change: p.Leu1001=; no amino-acid change (leucine 1001 retained).
Molecular consequence: synonymous variant.
Genome position (GRCh38, 1-based): chr21:46,366,977, G>A. VCF-style: chr21-46366977-G-A. GRCh37 (hg19) VCF-style: chr21-47786892-G-A.
Other names: c.3003G>A (NM_006031.5); c.2649G>A, p.Leu883= (NM_001315529.2).
Identifiers: ClinVar variation 2652825 (VCV002652825.25), dbSNP rs1182252353, ClinGen allele CA513173730.

ClinVar aggregate classification (germline): Likely benign. Review status: criteria provided, multiple submitters, no conflicts (2 of 4 stars). 2 submissions from 2 submitters: Likely benign (2). Last evaluated 2024-11-21.

Conditions:
PCNT-related disorder. Also called: PCNT-related condition.

Allele frequency attached by ClinVar (database versions not stated): TOPMed below 0.00001; gnomAD 0.00001; gnomAD exomes 0.00001.
gnomAD v4.1: 5 of 1,614,082 alleles (0.00031%); highest among the groups gnomAD compares: Non-Finnish European, 0.00042%; no homozygotes.

Submissions (2):

PreventionGenetics, part of Exact Sciences
Classification: Likely benign for PCNT-related condition. Last evaluated: 2024-11-21. Review status: criteria provided, single submitter. Criteria: ACMG Guidelines, 2015. Collection method: clinical testing. Allele origin: germline.
Comment: This variant is classified as likely benign based on ACMG/AMP sequence variant interpretation guidelines (Richards et al. 2015 PMID: 25741868, with internal and published modifications).

CeGaT Center for Human Genetics Tuebingen
Classification: Likely benign. Last evaluated: 2022-07-01. Review status: criteria provided, single submitter. Criteria: CeGaT Center For Human Genetics Tuebingen Variant Classification Criteria Version 2. Collection method: clinical testing. Allele origin: germline. Affected: yes. Observed: 1 variant allele.
Comment: PCNT: BP4, BP7